The following is an entry in ClinVar:

NM_176787.5(PIGN):c.397A>T (p.Thr133Ser)

Gene: PIGN (phosphatidylinositol glycan anchor biosynthesis class N; minus strand). Cytogenetic location: 18q21.33.
Variant type: single nucleotide variant.
Coding change: c.397A>T on transcript NM_176787.5 (MANE Select); coding-DNA position 397, A replaced by T.
Protein change: p.Thr133Ser; replaces threonine 133 with serine.
Molecular consequence: missense variant.
Genome position (GRCh38, 1-based): chr18:62,157,174, T>A on the plus strand (A>T on the coding strand, the complement: PIGN is on the minus strand). VCF-style: chr18-62157174-T-A. GRCh37 (hg19) VCF-style: chr18-59824407-T-A.
Other names: c.397A>T, p.Thr133Ser (NM_012327.6); short protein forms T133S.
Identifiers: ClinVar variation 1054832 (VCV001054832.7), dbSNP rs2036767331, ClinGen allele CA402603278.

ClinVar aggregate classification (germline): Uncertain significance (1 of 4 stars; one submission).

Conditions:
Multiple congenital anomalies-hypotonia-seizures syndrome 1 (MCAHS1). Also called: PIGN-CDG; Congenital disorder of glycosylation due to PIGN deficiency; GLYCOSYLPHOSPHATIDYLINOSITOL BIOSYNTHESIS DEFECT 3. Identifiers: Orphanet 280633, MedGen C3279775, MONDO:0013563, OMIM 614080.

Allele frequency attached by ClinVar (database versions not stated): TOPMed below 0.00001.

Submission:

Labcorp Genetics (formerly Invitae), Labcorp
Classification: Uncertain significance for Multiple congenital anomalies-hypotonia-seizures syndrome 1. Last evaluated: 2020-07-01. Review status: criteria provided, single submitter. Criteria: Invitae Variant Classification Sherloc (09022015). Collection method: clinical testing. Allele origin: germline.
Comment: In summary, the available evidence is currently insufficient to determine the role of this variant in disease. Therefore, it has been classified as a Variant of Uncertain Significance. This variant has been reported not to substantially affect PIGN protein function (PMID: 27891564). This variant has not been reported in the literature in individuals with PIGN-related conditions. This variant is not present in population databases (ExAC no frequency). This sequence change replaces threonine with serine at codon 133 of the PIGN protein (p.Thr133Ser). The threonine residue is highly conserved and there is a small physicochemical difference between threonine and serine.

Literature cited by the submitters: PubMed 27891564.